The following is an entry in ClinVar:

ClinVar aggregate classification (germline): Uncertain significance. Review status: criteria provided, multiple submitters, no conflicts (2 of 4 stars). 4 submissions from 4 submitters: Uncertain significance (4). Last evaluated 2024-04-22.

Conditions:
Dyskeratosis congenita. Identifiers: Orphanet 1775, MedGen C0265965, MONDO:0015780.
TERT-related disorder. Also called: TERT-related condition; TERT-related disorders.
Dyskeratosis congenita, autosomal dominant 2. Identifiers: MedGen C3151443, MONDO:0013521, OMIM 613989.
Idiopathic Pulmonary Fibrosis. Also called: Idiopathic fibrosing alveolitis, chronic form; idiopathic fibrosing alveolitis. Identifiers: Orphanet 2032, MedGen C1800706, MeSH D054990, MONDO:0800504.

Allele frequency attached by ClinVar (database versions not stated): gnomAD exomes below 0.00001; ExAC 0.00001.

Submissions (4):

Labcorp Genetics (formerly Invitae), Labcorp
Classification: Uncertain significance for Dyskeratosis congenita, autosomal dominant 2; Idiopathic Pulmonary Fibrosis. Last evaluated: 2024-04-22. Review status: criteria provided, single submitter. Criteria: Invitae Variant Classification Sherloc (09022015). Collection method: clinical testing. Allele origin: germline.
Comment: This sequence change replaces asparagine, which is neutral and polar, with histidine, which is basic and polar, at codon 1120 of the TERT protein (p.Asn1120His). The frequency data for this variant in the population databases is considered unreliable, as metrics indicate poor data quality at this position in the gnomAD database. This variant has not been reported in the literature in individuals affected with TERT-related conditions. ClinVar contains an entry for this variant (Variation ID: 834870). Advanced modeling of protein sequence and biophysical properties (such as structural, functional, and spatial information, amino acid conservation, physicochemical variation, residue mobility, and thermodynamic stability) performed at Invitae indicates that this missense variant is not expected to disrupt TERT protein function with a negative predictive value of 95%. In summary, the available evidence is currently insufficient to determine the role of this variant in disease. Therefore, it has been classified as a Variant of Uncertain Significance.

Ambry Genetics
Classification: Uncertain significance for Dyskeratosis congenita. Last evaluated: 2024-03-06. Review status: criteria provided, single submitter. Criteria: Ambry Variant Classification Scheme 2023. Collection method: clinical testing. Allele origin: germline.
Comment: The p.N1120H variant (also known as c.3358A>C), located in coding exon 16 of the TERT gene, results from an A to C substitution at nucleotide position 3358. The asparagine at codon 1120 is replaced by histidine, an amino acid with similar properties. This amino acid position is conserved. In addition, this alteration is predicted to be tolerated by in silico analysis. Based on the available evidence, the clinical significance of this alteration remains unclear.

PreventionGenetics, part of Exact Sciences
Classification: Uncertain significance for TERT-related condition. Last evaluated: 2023-10-09. Review status: criteria provided, single submitter. Criteria: ACMG Guidelines, 2015. Collection method: clinical testing. Allele origin: germline.
Comment: The TERT c.3358A>C variant is predicted to result in the amino acid substitution p.Asn1120His. To our knowledge, this variant has not been reported in the literature. This variant is reported in 0.00091% of alleles in individuals of European (Non-Finnish) descent in gnomAD and has been interpreted as uncertain in ClinVar. At this time, the clinical significance of this variant is uncertain due to the absence of conclusive functional and genetic evidence.

GeneDx
Classification: Uncertain significance. Last evaluated: 2023-04-20. Review status: criteria provided, single submitter. Criteria: GeneDx Variant Classification Process June 2021. Collection method: clinical testing. Allele origin: germline. Affected: yes.
Comment: Not observed at significant frequency in large population cohorts (gnomAD); In silico analysis supports that this missense variant does not alter protein structure/function; Has not been previously published as pathogenic or benign to our knowledge

NM_198253.3(TERT):c.3358A>C (p.Asn1120His)

Gene: TERT (telomerase reverse transcriptase; minus strand). Cytogenetic location: 5p15.33.
Variant type: single nucleotide variant.
Coding change: c.3358A>C on transcript NM_198253.3 (MANE Select); coding-DNA position 3358, A replaced by C.
Protein change: p.Asn1120His; replaces asparagine 1120 with histidine.
Molecular consequence: missense variant. On other transcripts: non-coding transcript variant (2).
Genome position (GRCh38, 1-based): chr5:1,253,769, T>G on the plus strand (A>C on the coding strand, the complement: TERT is on the minus strand). VCF-style: chr5-1253769-T-G. GRCh37 (hg19) VCF-style: chr5-1253884-T-G.
Other names: c.3169A>C, p.Asn1057His (NM_001193376.3); short protein forms N1120H, N1057H.
Identifiers: ClinVar variation 834870 (VCV000834870.11), dbSNP rs781651959, ClinGen allele CA3184204.
Genomic context (GRCh38, chr5:1,253,769, plus strand): 5'-GGCTGTGGGCGGGTGGCCATCAGTCCAGGATGGTCTTGAAGTCTGAGGGCAGTGCCGGGT[T>G]GGCTGCGGCCTCCAGGGCAGTCAGCGTCGTCCCCGGGAGCTTCCGACTCAGCTGCGTCTG-3'
Protein context (NP_937983.2, residues 1110-1130): TTLTALEAAA[Asn1120His]PALPSDFKTI